The following is an entry in ClinVar:

NM_001159773.2(CANT1):c.336C>A (p.Asp112Glu)

Gene: CANT1 (calcium activated nucleotidase 1; minus strand). Cytogenetic location: 17q25.3.
Variant type: single nucleotide variant.
Coding change: c.336C>A on transcript NM_001159773.2 (MANE Select); coding-DNA position 336, C replaced by A.
Protein change: p.Asp112Glu; replaces aspartic acid 112 with glutamic acid.
Molecular consequence: missense variant.
Genome position (GRCh38, 1-based): chr17:78,997,287, G>T on the plus strand (C>A on the coding strand, the complement: CANT1 is on the minus strand). VCF-style: chr17-78997287-G-T. GRCh37 (hg19) VCF-style: chr17-76993369-G-T.
Other names: c.336C>A, p.Asp112Glu (NM_001159772.2, NM_138793.4); short protein forms D112E.
Identifiers: ClinVar variation 1480519 (VCV001480519.7), dbSNP rs749246739, ClinGen allele CA8808749.

ClinVar aggregate classification (germline): Uncertain significance. Review status: criteria provided, multiple submitters, no conflicts (2 of 4 stars). 2 submissions from 2 submitters: Uncertain significance (2). Last evaluated 2025-12-08.

Allele frequency attached by ClinVar (database versions not stated): ExAC 0.00002; gnomAD exomes 0.00002; gnomAD 0.00004; TOPMed 0.00004.
gnomAD v4.1: 21 of 1,614,030 alleles (0.0013%); highest among the groups gnomAD compares: Non-Finnish European, 0.001%; no homozygotes.

Submissions (2):

Labcorp Genetics (formerly Invitae), Labcorp
Classification: Uncertain significance. Last evaluated: 2025-12-08. Review status: criteria provided, single submitter. Criteria: Invitae Variant Classification Sherloc (09022015). Collection method: clinical testing. Allele origin: germline.
Comment: This sequence change replaces aspartic acid, which is acidic and polar, with glutamic acid, which is acidic and polar, at codon 112 of the CANT1 protein (p.Asp112Glu). This variant is present in population databases (rs749246739, gnomAD 0.02%). This missense change has been observed in individual(s) with Desbuquois dysplasia (PMID: 21654728). ClinVar contains an entry for this variant (Variation ID: 1480519). Invitae Evidence Modeling of protein sequence and biophysical properties (such as structural, functional, and spatial information, amino acid conservation, physicochemical variation, residue mobility, and thermodynamic stability) indicates that this missense variant is expected to disrupt CANT1 protein function with a positive predictive value of 95%. In summary, the available evidence is currently insufficient to determine the role of this variant in disease. Therefore, it has been classified as a Variant of Uncertain Significance.

Women's Health and Genetics/Laboratory Corporation of America, LabCorp
Classification: Uncertain significance. Last evaluated: 2024-05-30. Review status: criteria provided, single submitter. Criteria: LabCorp Variant Classification Summary - May 2015. Collection method: clinical testing. Allele origin: germline.
Comment: Variant summary: CANT1 c.336C>A (p.Asp112Glu) results in a conservative amino acid change in the encoded protein sequence. Four of five in-silico tools predict a damaging effect of the variant on protein function. The variant allele was found at a frequency of 1.6e-05 in 251458 control chromosomes. c.336C>A has been reported in the literature in at least one homozygous individual affected with Desbuquois dysplasia 1 (Laccone_2011). These data indicate that the variant may be associated with disease. To our knowledge, no experimental evidence demonstrating an impact on protein function has been reported. The following publication has been ascertained in the context of this evaluation (PMID: 21654728). ClinVar contains an entry for this variant (Variation ID: 1480519). Based on the evidence outlined above, the variant was classified as VUS-possibly pathogenic.

Literature cited by the submitters: PubMed 21654728 (cited by Labcorp Genetics (formerly Invitae), Labcorp and Women's Health and Genetics/Laboratory Corporation of America, LabCorp).